The following is an entry in ClinVar:

ClinVar aggregate classification (germline): Benign. Review status: criteria provided, multiple submitters, no conflicts (2 of 4 stars). 2 submissions from 2 submitters: Benign (2). Last evaluated 2018-06-14.

Allele frequency attached by ClinVar (database versions not stated): 1000 Genomes Project 0.20208; 1000 Genomes Project 30x 0.20378; TOPMed 0.28909; gnomAD 0.28966 and 0.29625; gnomAD exomes 0.29243.
gnomAD v4.1: 439,082 of 1,502,124 alleles (29%); highest among the groups gnomAD compares: Middle Eastern, 37%; 68,185 homozygotes.

Submissions (2):

GeneDx
Classification: Benign. Last evaluated: 2018-06-14. Review status: criteria provided, single submitter. Criteria: GeneDx Variant Classification (06012015). Collection method: clinical testing. Allele origin: germline. Affected: yes.
Comment: This variant is considered likely benign or benign based on one or more of the following criteria: it is a conservative change, it occurs at a poorly conserved position in the protein, it is predicted to be benign by multiple in silico algorithms, and/or has population frequency not consistent with disease.

Breakthrough Genomics
Classification: Benign. Review status: criteria provided, single submitter. Criteria: ACMG Guidelines, 2015. Collection method: not provided. Allele origin: germline. Inheritance: Autosomal recessive inheritance. Affected: yes.

NM_001457.4(FLNB):c.1748-61A>G

Gene: FLNB (filamin B; plus strand). Cytogenetic location: 3p14.3.
Variant type: single nucleotide variant.
Coding change: c.1748-61A>G on transcript NM_001457.4 (MANE Select); 61 bases into the intron before coding-DNA position 1748, A replaced by G.
Molecular consequence: intron variant.
Genome position (GRCh38, 1-based): chr3:58,106,619, A>G. VCF-style: chr3-58106619-A-G. GRCh37 (hg19) VCF-style: chr3-58092346-A-G.
Other names: c.1748-61A>G (NM_001164317.2, NM_001164318.2, NM_001164319.2).
Identifiers: ClinVar variation 675060 (VCV000675060.2), dbSNP rs2177153, ClinGen allele CA11444264.